The following is an entry in ClinVar:

ClinVar aggregate classification (germline): Uncertain significance (0 of 4 stars; one submission).

Conditions:
AFF4-related disorder. Also called: AFF4-related condition.

Submission:

PreventionGenetics, part of Exact Sciences
Classification: Uncertain significance for AFF4-related condition. Last evaluated: 2024-03-23. Review status: no assertion criteria provided. Collection method: clinical testing. Allele origin: germline.
Comment: The AFF4 c.1109C>A variant is predicted to result in the amino acid substitution p.Thr370Asn. To our knowledge, this variant has not been reported in the literature. This variant is reported in 0.0062% of alleles in individuals of African descent in gnomAD. At this time, the clinical significance of this variant is uncertain due to the absence of conclusive functional and genetic evidence.

NM_014423.4(AFF4):c.1109C>A (p.Thr370Asn)

Gene: AFF4 (ALF transcription elongation factor 4; minus strand). Cytogenetic location: 5q31.1.
Variant type: single nucleotide variant.
Coding change: c.1109C>A on transcript NM_014423.4 (MANE Select); coding-DNA position 1109, C replaced by A.
Protein change: p.Thr370Asn; replaces threonine 370 with asparagine.
Molecular consequence: missense variant.
Genome position (GRCh38, 1-based): chr5:132,902,466, G>T on the plus strand (C>A on the coding strand, the complement: AFF4 is on the minus strand). VCF-style: chr5-132902466-G-T. GRCh37 (hg19) VCF-style: chr5-132238158-G-T.
Other names: short protein forms T370N.
Identifiers: ClinVar variation 3349019 (VCV003349019.1).